The following is an entry in ClinVar:

ClinVar aggregate classification (germline): Uncertain significance (1 of 4 stars; one submission).

Submission:

Labcorp Genetics (formerly Invitae), Labcorp
Classification: Uncertain significance. Last evaluated: 2021-09-01. Review status: criteria provided, single submitter. Criteria: Invitae Variant Classification Sherloc (09022015). Collection method: clinical testing. Allele origin: germline.
Comment: This sequence change replaces threonine with isoleucine at codon 160 of the PHF21A protein (p.Thr160Ile). The threonine residue is highly conserved and there is a moderate physicochemical difference between threonine and isoleucine. This variant is not present in population databases (ExAC no frequency). This variant has not been reported in the literature in individuals affected with PHF21A-related conditions. Algorithms developed to predict the effect of missense changes on protein structure and function (SIFT, PolyPhen-2, Align-GVGD) all suggest that this variant is likely to be disruptive. In summary, the available evidence is currently insufficient to determine the role of this variant in disease. Therefore, it has been classified as a Variant of Uncertain Significance.

NM_001352027.3(PHF21A):c.479C>T (p.Thr160Ile)

Gene: PHF21A (PHD finger protein 21A; minus strand). Cytogenetic location: 11p11.2.
Variant type: single nucleotide variant.
Coding change: c.479C>T on transcript NM_001352027.3 (MANE Select); coding-DNA position 479, C replaced by T.
Protein change: p.Thr160Ile; replaces threonine 160 with isoleucine.
Molecular consequence: missense variant. On other transcripts: non-coding transcript variant (2).
Genome position (GRCh38, 1-based): chr11:45,971,249, G>A on the plus strand (C>T on the coding strand, the complement: PHF21A is on the minus strand). VCF-style: chr11-45971249-G-A. GRCh37 (hg19) VCF-style: chr11-45992800-G-A.
Other names: c.479C>T, p.Thr160Ile (NM_001101802.3, NM_001352025.3, NM_001352026.3 and 5 more transcripts); c.476C>T, p.Thr159Ile (NM_001352030.3); short protein forms T160I, T159I.
Identifiers: ClinVar variation 1379115 (VCV001379115.6), dbSNP rs2136079665, ClinGen allele CA380209631.